The following is an entry in ClinVar:

NM_000478.6(ALPL):c.118dup (p.Ala40fs)

Gene: ALPL (alkaline phosphatase, biomineralization associated; plus strand). Cytogenetic location: 1p36.12.
Variant type: Duplication.
Coding change: c.118dup on transcript NM_000478.6 (MANE Select); coding-DNA position 118, one base duplicated (G; older notation c.118dupG).
Protein change: p.Ala40fs; shifts the reading frame from alanine 40.
Molecular consequence: frameshift variant. On other transcripts: 5 prime UTR variant (1), initiator codon variant (1).
Genome position (GRCh38, 1-based): chr1:21,560,682, G duplicated. VCF-style (leftmost placement, unchanged base first): chr1-21560681-T-TG. GRCh37 (hg19) VCF-style: chr1-21887174-T-TG.
Other names: c.118dup, p.Ala40fs (NM_001369803.2, NM_001369804.2, NM_001369805.2); c.-48dup (NM_001127501.4); c.3dup, p.Pro2fs (NM_001177520.3); short protein forms A40fs, P2fs.
Identifiers: ClinVar variation 4086843 (VCV004086843.1).

ClinVar aggregate classification (germline): Pathogenic (1 of 4 stars; one submission).

Conditions:
Hypophosphatasia. Also called: Phosphoethanol-aminuria. Identifiers: Orphanet 436, MedGen C0020630, MeSH D007014, MONDO:0018570.

Submission:

Genomenon, Inc
Classification: Pathogenic for Hypophosphatasia. Last evaluated: 2025-08-29. Review status: criteria provided, single submitter. Criteria: Genomenon Sequence Variant Interpretation Standards. Collection method: curation. Allele origin: germline. Affected: yes.
Comment: ALPL p.Ala40GlyfsTer13 (c.118dup) is a frameshift variant that results in the production of a truncated protein that is predicted to undergo nonsense-mediated mRNA decay. This variant has been observed in at least one proband affected with hypophosphatasia (PMID:38884565). The variant was found to segregate with disease in at least one affected family (PMID:38884565). It is absent or not present at a significant frequency in gnomAD. In conclusion, we classify ALPL p.Ala40GlyfsTer13 (c.118dup) as a pathogenic variant.

Literature cited by the submitters: PubMed 38884565.